The following is an entry in ClinVar:

NM_006904.7(PRKDC):c.3318A>G (p.Ile1106Met)

Gene: PRKDC (protein kinase, DNA-activated, catalytic subunit; minus strand). Cytogenetic location: 8q11.21.
Variant type: single nucleotide variant.
Coding change: c.3318A>G on transcript NM_006904.7 (MANE Select); coding-DNA position 3318, A replaced by G.
Protein change: p.Ile1106Met; replaces isoleucine 1106 with methionine.
Molecular consequence: missense variant.
Genome position (GRCh38, 1-based): chr8:47,900,419, T>C on the plus strand (A>G on the coding strand, the complement: PRKDC is on the minus strand). VCF-style: chr8-47900419-T-C. GRCh37 (hg19) VCF-style: chr8-48812979-T-C.
Other names: c.3318A>G (NM_006904.6); c.3318A>G, p.Ile1106Met (NM_001081640.2); short protein forms I1106M.
Identifiers: ClinVar variation 1362744 (VCV001362744.6), dbSNP rs2089657778, ClinGen allele CA371155672.

ClinVar aggregate classification (germline): Uncertain significance. Review status: criteria provided, multiple submitters, no conflicts (2 of 4 stars). 2 submissions from 2 submitters: Uncertain significance (2). Last evaluated 2025-06-03.

Conditions:
Severe combined immunodeficiency due to DNA-PKcs deficiency. Also called: IMMUNODEFICIENCY 26 WITH NEUROLOGIC ABNORMALITIES; Immunodeficiency 26 with or without neurologic abnormalities. Identifiers: Orphanet 317425, MedGen C4014833, MONDO:0014423, OMIM 615966.

Allele frequency attached by ClinVar (database versions not stated): TOPMed below 0.00001; gnomAD 0.00001.

Submissions (2):

Ambry Genetics
Classification: Uncertain significance. Last evaluated: 2025-06-03. Review status: criteria provided, single submitter. Criteria: Ambry Variant Classification Scheme 2023. Collection method: clinical testing. Allele origin: germline.

Labcorp Genetics (formerly Invitae), Labcorp
Classification: Uncertain significance for Severe combined immunodeficiency due to DNA-PKcs deficiency. Last evaluated: 2024-11-05. Review status: criteria provided, single submitter. Criteria: Invitae Variant Classification Sherloc (09022015). Collection method: clinical testing. Allele origin: germline.
Comment: This sequence change replaces isoleucine, which is neutral and non-polar, with methionine, which is neutral and non-polar, at codon 1106 of the PRKDC protein (p.Ile1106Met). This variant is not present in population databases (gnomAD no frequency). This variant has not been reported in the literature in individuals affected with PRKDC-related conditions. ClinVar contains an entry for this variant (Variation ID: 1362744). Invitae Evidence Modeling of protein sequence and biophysical properties (such as structural, functional, and spatial information, amino acid conservation, physicochemical variation, residue mobility, and thermodynamic stability) indicates that this missense variant is not expected to disrupt PRKDC protein function with a negative predictive value of 80%. In summary, the available evidence is currently insufficient to determine the role of this variant in disease. Therefore, it has been classified as a Variant of Uncertain Significance.